The following is an entry in ClinVar:

ClinVar aggregate classification (germline): Conflicting classifications of pathogenicity. Review status: criteria provided, conflicting classifications (1 of 4 stars). 3 submissions from 3 submitters: Uncertain significance (2); Likely benign (1). Last evaluated 2025-02-12.

Allele frequency attached by ClinVar (database versions not stated): TOPMed 0.00002; ExAC 0.00004; gnomAD exomes 0.00004.

Submissions (3):

Ambry Genetics
Classification: Likely benign. Last evaluated: 2025-02-12. Review status: criteria provided, single submitter. Criteria: Ambry Variant Classification Scheme 2023. Collection method: clinical testing. Allele origin: germline.

GeneDx
Classification: Uncertain significance. Last evaluated: 2024-05-08. Review status: criteria provided, single submitter. Criteria: GeneDx Variant Classification Process June 2021. Collection method: clinical testing. Allele origin: germline. Affected: yes.
Comment: In silico analysis indicates that this missense variant does not alter protein structure/function; Published functional studies demonstrate RNF43 activity may not be affected (PMID: 32934222); Variants in candidate genes are classified as variants of uncertain significance in accordance with ACMG guidelines (PMID: 25741868); This variant is associated with the following publications: (PMID: 27661107, 32934222)

Labcorp Genetics (formerly Invitae), Labcorp
Classification: Uncertain significance. Last evaluated: 2021-04-16. Review status: criteria provided, single submitter. Criteria: Invitae Variant Classification Sherloc (09022015). Collection method: clinical testing. Allele origin: germline.
Comment: This sequence change replaces arginine with histidine at codon 389 of the RNF43 protein (p.Arg389His). The arginine residue is moderately conserved and there is a small physicochemical difference between arginine and histidine. This variant is present in population databases (rs780893183, ExAC 0.06%). This variant has not been reported in the literature in individuals with RNF43-related conditions. ClinVar contains an entry for this variant (Variation ID: 961453). Algorithms developed to predict the effect of missense changes on protein structure and function output the following: SIFT: "Tolerated"; PolyPhen-2: "Benign"; Align-GVGD: "Class C0". The histidine amino acid residue is found in multiple mammalian species, suggesting that this missense change does not adversely affect protein function. These predictions have not been confirmed by published functional studies and their clinical significance is uncertain. In summary, the available evidence is currently insufficient to determine the role of this variant in disease. Therefore, it has been classified as a Variant of Uncertain Significance.

NM_017763.6(RNF43):c.1166G>A (p.Arg389His)

Gene: RNF43 (ring finger protein 43; minus strand). Cytogenetic location: 17q22.
Variant type: single nucleotide variant.
Coding change: c.1166G>A on transcript NM_017763.6 (MANE Select); coding-DNA position 1166, G replaced by A.
Protein change: p.Arg389His; replaces arginine 389 with histidine.
Molecular consequence: missense variant.
Genome position (GRCh38, 1-based): chr17:58,358,610, C>T on the plus strand (G>A on the coding strand, the complement: RNF43 is on the minus strand). VCF-style: chr17-58358610-C-T. GRCh37 (hg19) VCF-style: chr17-56435971-C-T.
Other names: c.1166G>A, p.Arg389His (NM_001305544.3); c.785G>A, p.Arg262His (NM_001305545.2); short protein forms R262H, R389H.
Identifiers: ClinVar variation 961453 (VCV000961453.11), dbSNP rs780893183, ClinGen allele CA8673224.